The following is an entry in ClinVar:

NM_004360.5(CDH1):c.2355C>T (p.Asn785=)

Gene: CDH1 (cadherin 1; plus strand). Cytogenetic location: 16q22.1.
Variant type: single nucleotide variant.
Coding change: c.2355C>T on transcript NM_004360.5 (MANE Select); coding-DNA position 2355, C replaced by T.
Protein change: p.Asn785=; no amino-acid change (asparagine 785 retained).
Molecular consequence: synonymous variant.
Genome position (GRCh38, 1-based): chr16:68,829,713, C>T. VCF-style: chr16-68829713-C-T. GRCh37 (hg19) VCF-style: chr16-68863616-C-T.
Other names: c.2355C>T (LRG_301t1, NM_004360.4); c.2172C>T, p.Asn724= (NM_001317184.2); c.807C>T, p.Asn269= (NM_001317185.2); c.390C>T, p.Asn130= (NM_001317186.2).
Identifiers: ClinVar variation 186367 (VCV000186367.23), dbSNP rs375988871, ClinGen allele CA194628.

ClinVar aggregate classification (germline): Benign/Likely benign. Review status: criteria provided, multiple submitters, no conflicts (2 of 4 stars). 8 submissions from 8 submitters: Benign (1); Likely benign (6). 1 of the submissions does not count toward it. Last evaluated 2026-01-28.

Conditions:
CDH1-related disorder. Also called: CDH1-related condition.
Hereditary diffuse gastric adenocarcinoma (HDGC). Also called: DIFFUSE GASTRIC AND LOBULAR BREAST CANCER SYNDROME. Identifiers: Orphanet 26106, MedGen C1708349, MONDO:0007648, OMIM 137215.
Hereditary cancer-predisposing syndrome. Also called: Hereditary Cancer Syndrome; Neoplastic Syndromes, Hereditary; Tumor predisposition; Hereditary neoplastic syndrome. Identifiers: Orphanet 140162, MedGen C0027672, MeSH D009386, MONDO:0015356.

Allele frequency attached by ClinVar (database versions not stated): gnomAD exomes below 0.00001 and 0.00001; TOPMed below 0.00001; ExAC 0.00001; gnomAD 0.00002; ESP Exome Variant Server 0.00008.
gnomAD v4.1: 11 of 1,613,974 alleles (0.00068%); highest among the groups gnomAD compares: African/African-American, 0.0067%; no homozygotes.

Submissions (8):

Labcorp Genetics (formerly Invitae), Labcorp
Classification: Likely benign for Hereditary diffuse gastric adenocarcinoma. Last evaluated: 2026-01-28. Review status: criteria provided, single submitter. Criteria: Invitae Variant Classification Sherloc (09022015). Collection method: clinical testing. Allele origin: germline.

Center for Genomic Medicine, Rigshospitalet, Copenhagen University Hospital
Classification: Likely benign. Last evaluated: 2025-03-04. Review status: criteria provided, single submitter. Criteria: ACMG Guidelines, 2015. Collection method: clinical testing. Allele origin: germline.

Myriad Genetics, Inc.
Classification: Benign for Hereditary diffuse gastric adenocarcinoma. Last evaluated: 2024-09-23. Review status: criteria provided, single submitter. Criteria: Myriad Autosomal Dominant, Autosomal Recessive and X-Linked Classification Criteria (2023). Collection method: clinical testing. Allele origin: unknown.
Comment: This variant is considered benign. This variant is a silent/synonymous amino acid change and it is not expected to impact splicing.

Women's Health and Genetics/Laboratory Corporation of America, LabCorp
Classification: Likely benign. Last evaluated: 2023-04-04. Review status: criteria provided, single submitter. Criteria: LabCorp Variant Classification Summary - May 2015. Collection method: clinical testing. Allele origin: germline.

GeneDx
Classification: Likely benign. Last evaluated: 2016-08-01. Review status: criteria provided, single submitter. Criteria: GeneDx Variant Classification (06012015). Collection method: clinical testing. Allele origin: germline. Affected: yes.
Comment: This variant is considered likely benign or benign based on one or more of the following criteria: it is a conservative change, it occurs at a poorly conserved position in the protein, it is predicted to be benign by multiple in silico algorithms, and/or has population frequency not consistent with disease.

Color Diagnostics, LLC DBA Color Health
Classification: Likely benign for Hereditary cancer-predisposing syndrome. Last evaluated: 2016-06-06. Review status: criteria provided, single submitter. Criteria: ACMG Guidelines, 2015. Collection method: clinical testing. Allele origin: germline.

Ambry Genetics
Classification: Likely benign for Hereditary cancer-predisposing syndrome. Last evaluated: 2015-04-12. Review status: criteria provided, single submitter. Criteria: Ambry Variant Classification Scheme 2023. Collection method: clinical testing. Allele origin: germline.

PreventionGenetics, part of Exact Sciences
Classification: Likely benign for CDH1-related condition. Last evaluated: 2019-07-31. Review status: no assertion criteria provided. Collection method: clinical testing. Allele origin: germline. Not counted in ClinVar's aggregate classification.
Comment: This variant is classified as likely benign based on ACMG/AMP sequence variant interpretation guidelines (Richards et al. 2015 PMID: 25741868, with internal and published modifications).